The following is an entry in ClinVar:

ClinVar aggregate classification (germline): Uncertain significance (1 of 4 stars; one submission).

Submission:

GeneDx
Classification: Uncertain significance. Last evaluated: 2024-09-29. Review status: criteria provided, single submitter. Criteria: GeneDx Variant Classification Process June 2021. Collection method: clinical testing. Allele origin: germline. Affected: yes.
Comment: Not observed at significant frequency in large population cohorts (gnomAD); In silico analysis indicates that this missense variant does not alter protein structure/function; Has not been previously published as pathogenic or benign to our knowledge

NM_005491.5(MAMLD1):c.509C>A (p.Pro170Gln)

Gene: MAMLD1 (mastermind like domain containing 1; plus strand). Cytogenetic location: Xq28.
Variant type: single nucleotide variant.
Coding change: c.509C>A on transcript NM_005491.5 (MANE Select); coding-DNA position 509, C replaced by A.
Protein change: p.Pro170Gln; replaces proline 170 with glutamine.
Molecular consequence: missense variant.
Genome position (GRCh38, 1-based): chrX:150,470,082, C>A. VCF-style: chrX-150470082-C-A. GRCh37 (hg19) VCF-style: chrX-149638354-C-A.
Other names: c.434C>A, p.Pro145Gln (NM_001177465.3, NM_001177466.3, NM_001400514.1); c.509C>A, p.Pro170Gln (NM_001400512.1, NM_001400513.1, NM_001400515.1); short protein forms P145Q, P170Q.
Identifiers: ClinVar variation 3774707 (VCV003774707.1).